The following is an entry in ClinVar:

NM_001099271.2(POC5):c.233C>G (p.Ser78Cys)

Gene: POC5 (POC5 centriolar protein; minus strand). Cytogenetic location: 5q13.3.
Variant type: single nucleotide variant.
Coding change: c.233C>G on transcript NM_001099271.2 (MANE Select); coding-DNA position 233, C replaced by G.
Protein change: p.Ser78Cys; replaces serine 78 with cysteine.
Molecular consequence: missense variant.
Genome position (GRCh38, 1-based): chr5:75,705,778, G>C on the plus strand (C>G on the coding strand, the complement: POC5 is on the minus strand). VCF-style: chr5-75705778-G-C. GRCh37 (hg19) VCF-style: chr5-75001603-G-C.
Other names: c.158C>G, p.Ser53Cys (NM_152408.3); short protein forms S78C, S53C.
Identifiers: ClinVar variation 2700724 (VCV002700724.3), dbSNP rs1161458355, ClinGen allele CA360150810.

ClinVar aggregate classification (germline): Uncertain significance (1 of 4 stars; one submission).

Submission:

Labcorp Genetics (formerly Invitae), Labcorp
Classification: Uncertain significance. Last evaluated: 2023-12-17. Review status: criteria provided, single submitter. Criteria: Invitae Variant Classification Sherloc (09022015). Collection method: clinical testing. Allele origin: germline.
Comment: This sequence change replaces serine, which is neutral and polar, with cysteine, which is neutral and slightly polar, at codon 78 of the POC5 protein (p.Ser78Cys). This variant is not present in population databases (gnomAD no frequency). This variant has not been reported in the literature in individuals affected with POC5-related conditions. An algorithm developed to predict the effect of missense changes on protein structure and function (PolyPhen-2) suggests that this variant is likely to be disruptive. In summary, the available evidence is currently insufficient to determine the role of this variant in disease. Therefore, it has been classified as a Variant of Uncertain Significance.